The following is an entry in ClinVar:

ClinVar aggregate classification (germline): Uncertain significance (1 of 4 stars; one submission).

Conditions:
Alexander disease (ALXDRD). Also called: Alexander's disease. Identifiers: Orphanet 58, MedGen C0270726, MONDO:0008752, OMIM 203450.

Submissions (2):

Juno Genomics, Hangzhou Juno Genomics, Inc
Classification: Uncertain significance for Alexander disease. Review status: criteria provided, single submitter. Criteria: ACMG Guidelines, 2015. Collection method: clinical testing. Allele origin: germline. Affected: yes.
Comment: Absent from controls (or at extremely low frequency if recessive) in Genome Aggregation Database, Exome Sequencing Project, 1000 Genomes Project, or Exome Aggregation Consortium.;Multiple lines of computational evidence support a deleterious effect on the gene or gene product (conservation, evolutionary, splicing impact, etc).

Dr. Peter K. Rogan Lab, Western University
No classification provided (evidence only). Condition: Thyroid cancer, nonmedullary, 1. Review status: no classification provided. Collection method: in vitro. Allele origin: not applicable. Functional consequence: retained intron. Not counted in ClinVar's aggregate classification.

NM_002055.5(GFAP):c.530A>G (p.Asp177Gly)

Gene: GFAP (glial fibrillary acidic protein; minus strand). Cytogenetic location: 17q21.31.
Variant type: single nucleotide variant.
Coding change: c.530A>G on transcript NM_002055.5 (MANE Select); coding-DNA position 530, A replaced by G.
Protein change: p.Asp177Gly; replaces aspartic acid 177 with glycine.
Molecular consequence: missense variant.
Genome position (GRCh38, 1-based): chr17:44,913,816, T>C on the plus strand (A>G on the coding strand, the complement: GFAP is on the minus strand). VCF-style: chr17-44913816-T-C. GRCh37 (hg19) VCF-style: chr17-42991184-T-C.
Other names: NC_000017.10:g.42991184T>C; c.530A>G, p.Asp177Gly (NM_001131019.3, NM_001242376.3, NM_001363846.2); short protein forms D177G.
Identifiers: ClinVar variation 3383011 (VCV003383011.3).